The following is an entry in ClinVar:

ClinVar aggregate classification (germline): Uncertain significance. Review status: criteria provided, multiple submitters, no conflicts (2 of 4 stars). 2 submissions from 2 submitters: Uncertain significance (2). Last evaluated 2024-11-14.

Allele frequency attached by ClinVar (database versions not stated): gnomAD exomes below 0.00001; TOPMed 0.00002; gnomAD 0.00003.
gnomAD v4.1: 10 of 1,614,070 alleles (0.00062%); highest among the groups gnomAD compares: African/African-American, 0.012%; no homozygotes.

Submissions (2):

Ambry Genetics
Classification: Uncertain significance. Last evaluated: 2024-11-14. Review status: criteria provided, single submitter. Criteria: Ambry Variant Classification Scheme 2023. Collection method: clinical testing. Allele origin: germline.

Labcorp Genetics (formerly Invitae), Labcorp
Classification: Uncertain significance. Last evaluated: 2023-08-08. Review status: criteria provided, single submitter. Criteria: Invitae Variant Classification Sherloc (09022015). Collection method: clinical testing. Allele origin: germline.
Comment: This sequence change replaces leucine, which is neutral and non-polar, with proline, which is neutral and non-polar, at codon 1572 of the ADCY10 protein (p.Leu1572Pro). This variant is not present in population databases (gnomAD no frequency). This variant has not been reported in the literature in individuals affected with ADCY10-related conditions. Algorithms developed to predict the effect of missense changes on protein structure and function output the following: SIFT: "Not Available"; PolyPhen-2: "Benign"; Align-GVGD: "Not Available". The proline amino acid residue is found in multiple mammalian species, which suggests that this missense change does not adversely affect protein function. In summary, the available evidence is currently insufficient to determine the role of this variant in disease. Therefore, it has been classified as a Variant of Uncertain Significance.

NM_018417.6(ADCY10):c.4715T>C (p.Leu1572Pro)

Gene: ADCY10 (adenylate cyclase 10; minus strand). Cytogenetic location: 1q24.2.
Variant type: single nucleotide variant.
Coding change: c.4715T>C on transcript NM_018417.6 (MANE Select); coding-DNA position 4715, T replaced by C.
Protein change: p.Leu1572Pro; replaces leucine 1572 with proline.
Molecular consequence: missense variant.
Genome position (GRCh38, 1-based): chr1:167,809,796, A>G on the plus strand (T>C on the coding strand, the complement: ADCY10 is on the minus strand). VCF-style: chr1-167809796-A-G. GRCh37 (hg19) VCF-style: chr1-167779033-A-G.
Other names: c.4715T>C (NM_018417.4); c.4256T>C, p.Leu1419Pro (NM_001167749.3); c.4439T>C, p.Leu1480Pro (NM_001297772.2); short protein forms L1572P, L1480P, L1419P.
Identifiers: ClinVar variation 2989692 (VCV002989692.4), dbSNP rs772188446, ClinGen allele CA343092272.
Genomic context (GRCh38, chr1:167,809,796, plus strand): 5'-TGAATGTTTACCCTGCCTGCTACAATTTTTTCCCATGATGGGAGACTCAAGATCGTCTGA[A>G]GCCATTGGTCTTCTTTTAACTCAGAGGTTGAGTACCATGATTCCTGAGAGGAAAGAAACA-3'
Protein context (NP_060887.2, residues 1562-1582): STSELKEDQW[Leu1572Pro]QTILSLPSWE